The following is an entry in ClinVar:

NM_004100.5(EYA4):c.1551del (p.Ile518fs)

Genes: TARID (TCF21 antisense RNA inducing promoter demethylation; minus strand), EYA4 (EYA transcriptional coactivator and phosphatase 4; plus strand). Cytogenetic location: 6q23.2.
Variant type: Deletion.
Coding change: c.1551del on transcript NM_004100.5 (MANE Select); coding-DNA position 1551, one base deleted (G; older notation c.1551delG).
Protein change: p.Ile518fs; shifts the reading frame from isoleucine 518.
Molecular consequence: frameshift variant.
Genome position (GRCh38, 1-based): chr6:133,515,370, G deleted. VCF-style (leftmost placement, unchanged base first): chr6-133515369-AG-A. GRCh37 (hg19) VCF-style: chr6-133836507-AG-A.
Other names: c.1389del, p.Ile464fs (NM_001301012.2); c.1569del, p.Ile524fs (NM_001301013.2); c.1482del, p.Ile495fs (NM_001370458.1, NM_172103.4); c.1407del, p.Ile470fs (NM_001370459.1); c.1551del, p.Ile518fs (NM_172105.4); short protein forms I464fs, I470fs, I495fs, I518fs, I524fs.
Identifiers: ClinVar variation 5019946 (VCV005019946.1).

ClinVar aggregate classification (germline): Likely pathogenic (1 of 4 stars; one submission).

Conditions:
Dilated cardiomyopathy 1J (CMD1J). Also called: CARDIOMYOPATHY, DILATED, WITH SENSORINEURAL HEARING LOSS, AUTOSOMAL DOMINANT. Identifiers: Orphanet 217622, MedGen C1854368, MONDO:0011541, OMIM 605362.
Autosomal dominant nonsyndromic hearing loss 10. Identifiers: Orphanet 90635, MedGen C1832476, MONDO:0011031, OMIM 601316.

Submission:

Juno Genomics, Hangzhou Juno Genomics, Inc
Classification: Likely pathogenic for Dilated cardiomyopathy 1J; Autosomal dominant nonsyndromic hearing loss 10. Review status: criteria provided, single submitter. Criteria: ACMG Guidelines, 2015. Collection method: clinical testing. Allele origin: germline. Affected: yes.
Comment: Absent from controls (or at extremely low frequency if recessive) in Genome Aggregation Database.;Null variant in a gene where loss of function (LOF) is a known mechanism of disease.